The following is an entry in ClinVar:

ClinVar aggregate classification (germline): other (0 of 4 stars; one submission).

Conditions:
Familial colorectal cancer. Identifiers: MedGen CN280943, MONDO:0023113. Disease mechanism: loss of function.

Submission:

Systems Biology Platform Zhejiang California International NanoSystems Institute
Classification: other for Familial colorectal cancer. Review status: no assertion criteria provided. Collection method: not provided. Allele origin: unknown.
ClinVar note: Converted during submission from cancer to other.

NM_000038.6(APC):c.730-2473G>T

Gene: APC (APC regulator of WNT signaling pathway; plus strand). Cytogenetic location: 5q22.2.
Variant type: single nucleotide variant.
Coding change: c.730-2473G>T on transcript NM_000038.6 (MANE Select); 2473 bases into the intron before coding-DNA position 730, G replaced by T.
Molecular consequence: intron variant.
Genome position (GRCh38, 1-based): chr5:112,798,806, G>T. VCF-style: chr5-112798806-G-T. GRCh37 (hg19) VCF-style: chr5-112134503-G-T.
Other names: c.730-2473G>T (NM_001354895.2, NM_001127510.3, NM_001354896.2 and 1 more transcripts); c.760-2473G>T (NM_001354897.2, NM_001354902.2); c.676-2473G>T (NM_001127511.3); c.655-2473G>T (NM_001354898.2, NM_001354904.2); c.-306-2473G>T (NM_001354906.2); c.646-2473G>T (NM_001354899.2); c.553-2473G>T (NM_001354900.2, NM_001354901.2, NM_001354905.2).
Identifiers: ClinVar variation 83025 (VCV000083025.2), dbSNP rs78513640, ClinGen allele CA013497.